The following is an entry in ClinVar:

ClinVar aggregate classification (germline): Uncertain significance (1 of 4 stars; one submission).

Conditions:
Obesity. Also called: Obesity disorder. Identifiers: Orphanet 71529, MedGen C0028754, MeSH D009765, MONDO:0011122, HP:0001513.

Allele frequency attached by ClinVar (database versions not stated): gnomAD exomes 0.00055; 1000 Genomes Project 0.00260; 1000 Genomes Project 30x 0.00297; gnomAD 0.00427 and 0.00473; TOPMed 0.00520.
gnomAD v4.1: 950 of 683,080 alleles (0.14%); highest among the groups gnomAD compares: African/African-American, 1.5%; 7 homozygotes.

Submission:

Illumina Laboratory Services, Illumina
Classification: Uncertain significance for Inherited obesity. Last evaluated: 2017-04-27. Review status: criteria provided, single submitter. Criteria: ICSL Variant Classification Criteria 13 December 2019. Collection method: clinical testing. Allele origin: germline.
Comment: This variant was observed as part of a predisposition screen in an ostensibly healthy population. A literature search was performed for the gene, cDNA change, and amino acid change (where applicable). Publications were found based on this search. However, the evidence from the literature, in combination with allele frequency data from public databases where available, was not sufficient to rule this variant in or out of causing disease. Therefore, this variant is classified as a variant of unknown significance.

Literature cited by the submitters: PubMed 20966905; PubMed 16710097; PubMed 14633862.

NM_005912.3(MC4R):c.-176A>G

Gene: MC4R (melanocortin 4 receptor; minus strand). Cytogenetic location: 18q21.32.
Variant type: single nucleotide variant.
Coding change: c.-176A>G on transcript NM_005912.3 (MANE Select); 176 bases upstream of the start codon, A replaced by G.
Molecular consequence: 5 prime UTR variant.
Genome position (GRCh38, 1-based): chr18:60,372,525, T>C on the plus strand (A>G on the coding strand, the complement: MC4R is on the minus strand). VCF-style: chr18-60372525-T-C. GRCh37 (hg19) VCF-style: chr18-58039758-T-C.
Identifiers: ClinVar variation 890415 (VCV000890415.4), dbSNP rs78877161, ClinGen allele CA301530077.